The following is an entry in ClinVar:

NM_001271.4(CHD2):c.3566A>G (p.Glu1189Gly)

Gene: CHD2 (chromodomain helicase DNA binding protein 2; plus strand). Cytogenetic location: 15q26.1.
Variant type: single nucleotide variant.
Coding change: c.3566A>G on transcript NM_001271.4 (MANE Select); coding-DNA position 3566, A replaced by G.
Protein change: p.Glu1189Gly; replaces glutamic acid 1189 with glycine.
Molecular consequence: missense variant.
Genome position (GRCh38, 1-based): chr15:92,992,969, A>G. VCF-style: chr15-92992969-A-G. GRCh37 (hg19) VCF-style: chr15-93536199-A-G.
Other names: short protein forms E1189G.
Identifiers: ClinVar variation 3390190 (VCV003390190.14).
Genomic context (GRCh38, chr15:92,992,969, plus strand): 5'-ATCTGAAGCGCCTGGGTGAACTGATCCACAACAGCTGTGTGTCAGCAATGCAGGAATACG[A>G]AGAGCAGCTGAAAGAAAATGCCAGCGAGGGTAAGCGAAGTTGGCTTTAGTGAGTCTTCGC-3'
Protein context (NP_001262.3, residues 1179-1199): NSCVSAMQEY[Glu1189Gly]EQLKENASEG

ClinVar aggregate classification (germline): Uncertain significance (1 of 4 stars; one submission).

Submission:

CeGaT Center for Human Genetics Tuebingen
Classification: Uncertain significance. Last evaluated: 2024-11-01. Review status: criteria provided, single submitter. Criteria: CeGaT Center For Human Genetics Tuebingen Variant Classification Criteria Version 2. Collection method: clinical testing. Allele origin: germline. Affected: yes. Observed: 1 variant allele.
Comment: CHD2: PM2, PP2